The following is an entry in ClinVar:

ClinVar aggregate classification (germline): Uncertain significance. Review status: criteria provided, multiple submitters, no conflicts (2 of 4 stars). 3 submissions from 3 submitters: Uncertain significance (2). 1 of the submissions does not count toward it. Last evaluated 2022-12-01.

Conditions:
BBS1-related disorder. Also called: BBS1-related condition.
Bardet-Biedl syndrome (BBS). Identifiers: Orphanet 110, MedGen C0752166, MONDO:0015229.

Submissions (3):

GeneDx
Classification: Uncertain significance. Last evaluated: 2022-12-01. Review status: criteria provided, single submitter. Criteria: GeneDx Variant Classification Process June 2021. Collection method: clinical testing. Allele origin: germline. Affected: yes.
Comment: Not observed at significant frequency in large population cohorts (gnomAD); In silico analysis supports that this missense variant has a deleterious effect on protein structure/function; In silico analysis is inconclusive as to whether the variant alters gene splicing. In the absence of RNA/functional studies, the actual effect of this sequence change is unknown.; Has not been previously published as pathogenic or benign to our knowledge

Labcorp Genetics (formerly Invitae), Labcorp
Classification: Uncertain significance for Bardet-Biedl syndrome. Last evaluated: 2022-10-31. Review status: criteria provided, single submitter. Criteria: Invitae Variant Classification Sherloc (09022015). Collection method: clinical testing. Allele origin: germline.
Comment: In summary, the available evidence is currently insufficient to determine the role of this variant in disease. Therefore, it has been classified as a Variant of Uncertain Significance. Algorithms developed to predict the effect of sequence changes on RNA splicing suggest that this variant may disrupt the consensus splice site. Algorithms developed to predict the effect of missense changes on protein structure and function are either unavailable or do not agree on the potential impact of this missense change (SIFT: "Deleterious"; PolyPhen-2: "Benign"; Align-GVGD: "Class C25"). This variant has not been reported in the literature in individuals affected with BBS1-related conditions. This variant is not present in population databases (gnomAD no frequency). This sequence change replaces lysine, which is basic and polar, with threonine, which is neutral and polar, at codon 565 of the BBS1 protein (p.Lys565Thr).

PreventionGenetics, part of Exact Sciences
Classification: Uncertain significance for BBS1-related condition. Last evaluated: 2023-12-27. Review status: no assertion criteria provided. Collection method: clinical testing. Allele origin: germline. Not counted in ClinVar's aggregate classification.
Comment: The BBS1 c.1694A>C variant is predicted to result in the amino acid substitution p.Lys565Thr. To our knowledge, this variant has not been reported in the literature or in a large population database, indicating this variant is rare. This variant is predicted to weaken the canonical splice donor site and create a cryptic splice donor site (SpliceAI, Jaganathan et al. 2019. PubMed ID: 30661751). At this time, the clinical significance of this variant is uncertain due to the absence of conclusive functional and genetic evidence.

NM_024649.5(BBS1):c.1694A>C (p.Lys565Thr)

Genes: BBS1 (Bardet-Biedl syndrome 1; plus strand), ZDHHC24 (zDHHC palmitoyltransferase 24; minus strand). Cytogenetic location: 11q13.2.
Variant type: single nucleotide variant.
Coding change: c.1694A>C on transcript NM_024649.5 (MANE Select); coding-DNA position 1694, A replaced by C.
Protein change: p.Lys565Thr; replaces lysine 565 with threonine.
Molecular consequence: missense variant. On other transcripts: intron variant (1).
Genome position (GRCh38, 1-based): chr11:66,531,741, A>C. VCF-style: chr11-66531741-A-C. GRCh37 (hg19) VCF-style: chr11-66299212-A-C.
Other names: c.560-2253T>G (NM_001348571.2); short protein forms K565T.
Identifiers: ClinVar variation 1717533 (VCV001717533.8), dbSNP rs1565291081, ClinGen allele CA381426272.